The following is an entry in ClinVar:

NM_198525.3(KIF7):c.3664+15C>T

Genes: KIF7 (kinesin family member 7; minus strand), LOC126862216 (BRD4-independent group 4 enhancer GRCh37_chr15:90171995-90173194; plus strand). Cytogenetic location: 15q26.1.
Variant type: single nucleotide variant.
Coding change: c.3664+15C>T on transcript NM_198525.3 (MANE Select); 15 bases into the intron after coding-DNA position 3664, C replaced by T.
Molecular consequence: intron variant.
Genome position (GRCh38, 1-based): chr15:89,628,961, G>A on the plus strand (C>T on the coding strand, the complement: KIF7 is on the minus strand). VCF-style: chr15-89628961-G-A. GRCh37 (hg19) VCF-style: chr15-90172192-G-A.
Identifiers: ClinVar variation 389569 (VCV000389569.10), dbSNP rs199716624, ClinGen allele CA7727597.

ClinVar aggregate classification (germline): Likely benign. Review status: criteria provided, multiple submitters, no conflicts (2 of 4 stars). 3 submissions from 3 submitters: Likely benign (3). Last evaluated 2025-11-18.

Conditions:
Acrocallosal syndrome (ACLS). Also called: HALLUX DUPLICATION, POSTAXIAL POLYDACTYLY, AND ABSENCE OF CORPUS CALLOSUM; Schinzel syndrome 1; Absence of corpus callosum with unusual facial appearance, mental deficiency, duplication of the halluces and polydactyly. Identifiers: Orphanet 36, MedGen C0796147, MONDO:0008708, OMIM 200990.

Allele frequency attached by ClinVar (database versions not stated): gnomAD exomes 0.00004 and 0.00006; ExAC 0.00007; ESP Exome Variant Server 0.00008; gnomAD 0.00012 and 0.00013; TOPMed 0.00030; 1000 Genomes Project 0.00060; 1000 Genomes Project 30x 0.00094.
gnomAD v4.1: 92 of 1,613,864 alleles (0.0057%); highest among the groups gnomAD compares: Admixed American, 0.048%; no homozygotes.

Submissions (3):

Labcorp Genetics (formerly Invitae), Labcorp
Classification: Likely benign for Acrocallosal syndrome. Last evaluated: 2025-11-18. Review status: criteria provided, single submitter. Criteria: Invitae Variant Classification Sherloc (09022015). Collection method: clinical testing. Allele origin: germline.

Blueprint Genetics
Classification: Likely benign. Last evaluated: 2024-10-14. Review status: criteria provided, single submitter. Criteria: ACMG Guidelines, 2015. Collection method: clinical testing. Allele origin: germline.

GeneDx
Classification: Likely benign. Last evaluated: 2016-09-22. Review status: criteria provided, single submitter. Criteria: GeneDx Variant Classification (06012015). Collection method: clinical testing. Allele origin: germline. Affected: yes.
Comment: This variant is considered likely benign or benign based on one or more of the following criteria: it is a conservative change, it occurs at a poorly conserved position in the protein, it is predicted to be benign by multiple in silico algorithms, and/or has population frequency not consistent with disease.